The following is an entry in ClinVar:

NM_001375808.2(LPIN2):c.1201G>C (p.Asp401His)

Gene: LPIN2 (lipin 2; minus strand). Cytogenetic location: 18p11.31.
Variant type: single nucleotide variant.
Coding change: c.1201G>C on transcript NM_001375808.2 (MANE Select); coding-DNA position 1201, G replaced by C.
Protein change: p.Asp401His; replaces aspartic acid 401 with histidine.
Molecular consequence: missense variant.
Genome position (GRCh38, 1-based): chr18:2,934,418, C>G on the plus strand (G>C on the coding strand, the complement: LPIN2 is on the minus strand). VCF-style: chr18-2934418-C-G. GRCh37 (hg19) VCF-style: chr18-2934416-C-G.
Other names: c.1201G>C, p.Asp401His (NM_001375809.1, NM_014646.2); short protein forms D401H.
Identifiers: ClinVar variation 2891647 (VCV002891647.3), dbSNP rs775190257, ClinGen allele CA8873170.
Genomic context (GRCh38, chr18:2,934,418, plus strand): 5'-GGAAATAAAGAGCTGCAACTTCAGGTTCTAGACCCTTTAAGTCATCAAGGTAAATATCAT[C>G]AGGTCCCTGGTGTTGGCTTCTTTTGTGAACACCTGTTTAAAAAAAAAATCAGAGGTAAGA-3'
Protein context (NP_001362737.1, residues 391-411): VHKRSQHQGP[Asp401His]DIYLDDLKGL

ClinVar aggregate classification (germline): Uncertain significance. Review status: criteria provided, multiple submitters, no conflicts (2 of 4 stars). 2 submissions from 2 submitters: Uncertain significance (2). Last evaluated 2024-08-13.

Conditions:
Majeed syndrome (MJDS). Also called: LPIN2-Related Majeed Syndrome; CHRONIC RECURRENT MULTIFOCAL OSTEOMYELITIS 1, WITH CONGENITAL DYSERYTHROPOIETIC ANEMIA, WITH OR WITHOUT NEUTROPHILIC DERMATOSIS. Identifiers: Orphanet 77297, MedGen C1864997, MONDO:0012316, OMIM 609628.

Allele frequency attached by ClinVar (database versions not stated): gnomAD exomes below 0.00001; TOPMed below 0.00001; ExAC 0.00001; gnomAD 0.00001.
gnomAD v4.1: 2 of 1,613,600 alleles (0.00012%); highest among the groups gnomAD compares: Non-Finnish European, 0.00017%; no homozygotes.

Submissions (2):

Blueprint Genetics
Classification: Uncertain significance. Last evaluated: 2024-08-13. Review status: criteria provided, single submitter. Criteria: ACMG Guidelines, 2015. Collection method: clinical testing. Allele origin: germline.

Labcorp Genetics (formerly Invitae), Labcorp
Classification: Uncertain significance for Majeed syndrome. Last evaluated: 2023-08-22. Review status: criteria provided, single submitter. Criteria: Invitae Variant Classification Sherloc (09022015). Collection method: clinical testing. Allele origin: germline.
Comment: This variant is present in population databases (rs775190257, gnomAD 0.0009%). This sequence change replaces aspartic acid, which is acidic and polar, with histidine, which is basic and polar, at codon 401 of the LPIN2 protein (p.Asp401His). This variant has not been reported in the literature in individuals affected with LPIN2-related conditions. In summary, the available evidence is currently insufficient to determine the role of this variant in disease. Therefore, it has been classified as a Variant of Uncertain Significance. Advanced modeling of protein sequence and biophysical properties (such as structural, functional, and spatial information, amino acid conservation, physicochemical variation, residue mobility, and thermodynamic stability) performed at Invitae indicates that this missense variant is not expected to disrupt LPIN2 protein function.